The following is an entry in ClinVar:

ClinVar aggregate classification (germline): Uncertain significance (1 of 4 stars; one submission).

Allele frequency attached by ClinVar (database versions not stated): gnomAD exomes below 0.00001.
gnomAD v4.1: 2 of 1,613,980 alleles (0.00012%); highest among the groups gnomAD compares: Non-Finnish European, 0.000085%; no homozygotes.

Submission:

GeneDx
Classification: Uncertain significance. Last evaluated: 2019-09-19. Review status: criteria provided, single submitter. Criteria: GeneDx Variant Classification Process June 2021. Collection method: clinical testing. Allele origin: germline. Affected: yes.
Comment: Not observed in large population cohorts (Lek et al., 2016); In silico analysis, which includes protein predictors and evolutionary conservation, supports a deleterious effect; Has not been previously published as pathogenic or benign to our knowledge

NM_014516.4(CNOT3):c.2077A>C (p.Lys693Gln)

Gene: CNOT3 (CCR4-NOT transcription complex subunit 3; plus strand). Cytogenetic location: 19q13.42.
Variant type: single nucleotide variant.
Coding change: c.2077A>C on transcript NM_014516.4 (MANE Select); coding-DNA position 2077, A replaced by C.
Protein change: p.Lys693Gln; replaces lysine 693 with glutamine.
Molecular consequence: missense variant.
Genome position (GRCh38, 1-based): chr19:54,153,754, A>C. VCF-style: chr19-54153754-A-C. GRCh37 (hg19) VCF-style: chr19-54657491-A-C.
Other names: short protein forms K693Q.
Identifiers: ClinVar variation 1312236 (VCV001312236.2), dbSNP rs2146794272, ClinGen allele CA407771987.